The following is an entry in ClinVar:

NM_001035.3(RYR2):c.1537del (p.His513fs)

Gene: RYR2 (ryanodine receptor 2; plus strand). Cytogenetic location: 1q43.
Variant type: Deletion.
Coding change: c.1537del on transcript NM_001035.3 (MANE Select); coding-DNA position 1537, one base deleted (C; older notation c.1537delC).
Protein change: p.His513fs; shifts the reading frame from histidine 513.
Molecular consequence: frameshift variant.
Genome position (GRCh38, 1-based): chr1:237,456,660, C deleted. VCF-style (leftmost placement, unchanged base first): chr1-237456659-AC-A. GRCh37 (hg19) VCF-style: chr1-237619959-AC-A.
Other names: short protein forms H513fs.
Identifiers: ClinVar variation 2719678 (VCV002719678.3), dbSNP rs2528560834, ClinGen allele CA2697547718.

ClinVar aggregate classification (germline): Uncertain significance (1 of 4 stars; one submission).

Conditions:
Catecholaminergic polymorphic ventricular tachycardia 1. Also called: VENTRICULAR TACHYCARDIA, STRESS-INDUCED POLYMORPHIC 1; RYR2-Related Catecholaminergic Polymorphic Ventricular Tachycardia; VENTRICULAR TACHYCARDIA, CATECHOLAMINERGIC POLYMORPHIC, 1, WITH OR WITHOUT ATRIAL DYSFUNCTION AND/OR DILATED CARDIOMYOPATHY. Identifiers: Orphanet 3286, MedGen C1631597, MONDO:0011484, OMIM 604772.

Submission:

Labcorp Genetics (formerly Invitae), Labcorp
Classification: Uncertain significance for Catecholaminergic polymorphic ventricular tachycardia 1. Last evaluated: 2023-06-20. Review status: criteria provided, single submitter. Criteria: Invitae Variant Classification Sherloc (09022015). Collection method: clinical testing. Allele origin: germline.
Comment: In summary, the available evidence is currently insufficient to determine the role of this variant in disease. Therefore, it has been classified as a Variant of Uncertain Significance. This sequence change creates a premature translational stop signal (p.His513Thrfs*18) in the RYR2 gene. It is expected to result in an absent or disrupted protein product. However, the current clinical and genetic evidence is not sufficient to establish whether loss-of-function variants in RYR2 cause disease. This variant is not present in population databases (gnomAD no frequency). This variant has not been reported in the literature in individuals affected with RYR2-related conditions.